The following is an entry in ClinVar:

ClinVar aggregate classification (germline): Uncertain significance (1 of 4 stars; one submission).

Submission:

Labcorp Genetics (formerly Invitae), Labcorp
Classification: Uncertain significance. Last evaluated: 2022-08-23. Review status: criteria provided, single submitter. Criteria: Invitae Variant Classification Sherloc (09022015). Collection method: clinical testing. Allele origin: germline.
Comment: A copy number gain of the genomic region encompassing the full coding sequence of the DGAT1 gene has been identified. The boundaries of this event are unknown as they extend beyond the assayed region for this gene and therefore may encompass additional genes. As the precise location of this event is unknown, it may be in tandem or it may be located elsewhere in the genome. This variant has not been reported in the literature in individuals affected with DGAT1-related conditions. Experimental studies and prediction algorithms are not available or were not evaluated, and the functional significance of this variant is currently unknown. In summary, the available evidence is currently insufficient to determine the role of this variant in disease. Therefore, it has been classified as a Variant of Uncertain Significance.

NC_000008.10:g.(?_145540217)_(145550299_?)dup

Gene: DGAT1 (diacylglycerol O-acyltransferase 1; minus strand). Cytogenetic location: 8q24.3.
Variant type: Duplication.
Identifiers: ClinVar variation 1411705 (VCV001411705.4).